The following is an entry in ClinVar:

NM_001302371.3(NBPF10):c.988+4A>C

Gene: NBPF10 (NBPF member 10; minus strand). Cytogenetic location: 1q21.1.
Variant type: single nucleotide variant.
Coding change: c.988+4A>C on transcript NM_001302371.3 (MANE Select); 4 bases into the intron after coding-DNA position 988, A replaced by C.
Molecular consequence: intron variant.
Genome position (GRCh38, 1-based): chr1:146,138,232, T>G on the plus strand (A>C on the coding strand, the complement: NBPF10 is on the minus strand). VCF-style: chr1-146138232-T-G. GRCh37 (hg19) VCF-style: chr1-145299943-A-C.
Other names: c.988+4A>C (NM_001039703.6).
Identifiers: ClinVar variation 2639083 (VCV002639083.24), dbSNP rs201484914, ClinGen allele CA1051300.

ClinVar aggregate classification (germline): Likely benign (1 of 4 stars; one submission).

Allele frequency attached by ClinVar (database versions not stated): ExAC 0.00493; ESP Exome Variant Server 0.00548; gnomAD exomes 0.00802.

Submission:

CeGaT Center for Human Genetics Tuebingen
Classification: Likely benign. Last evaluated: 2026-02-01. Review status: criteria provided, single submitter. Criteria: CeGaT Center For Human Genetics Tuebingen Variant Classification Criteria Version 2. Collection method: clinical testing. Allele origin: germline. Affected: yes. Observed: 5 variant alleles.
Comment: NBPF10: BP4